The following is an entry in ClinVar:

NM_004370.6(COL12A1):c.5827T>C (p.Tyr1943His)

Gene: COL12A1 (collagen type XII alpha 1 chain; minus strand). Cytogenetic location: 6q13.
Variant type: single nucleotide variant.
Coding change: c.5827T>C on transcript NM_004370.6 (MANE Select); coding-DNA position 5827, T replaced by C.
Protein change: p.Tyr1943His; replaces tyrosine 1943 with histidine.
Molecular consequence: missense variant.
Genome position (GRCh38, 1-based): chr6:75,132,050, A>G on the plus strand (T>C on the coding strand, the complement: COL12A1 is on the minus strand). VCF-style: chr6-75132050-A-G. GRCh37 (hg19) VCF-style: chr6-75841766-A-G.
Other names: c.2335T>C, p.Tyr779His (NM_080645.3, NM_001424116.1); c.5827T>C, p.Tyr1943His (NM_001424113.1); c.5806T>C, p.Tyr1936His (NM_001424114.1); c.5554T>C, p.Tyr1852His (NM_001424115.1); short protein forms Y1936H, Y1943H, Y1852H, Y779H.
Identifiers: ClinVar variation 2924568 (VCV002924568.3), dbSNP rs1394966822, ClinGen allele CA364733086.

ClinVar aggregate classification (germline): Uncertain significance (1 of 4 stars; one submission).

Conditions:
Ullrich congenital muscular dystrophy 2 (UCMD2). Identifiers: Orphanet 75840, MedGen C4225314, MONDO:0014654, OMIM 616470.
Bethlem myopathy 2 (BTHLM2). Identifiers: Orphanet 536516, Orphanet 610, MedGen C4225313, MONDO:0034022, OMIM 616471.

Allele frequency attached by ClinVar (database versions not stated): gnomAD exomes below 0.00001; TOPMed below 0.00001; gnomAD 0.00001.
gnomAD v4.1: 2 of 1,613,992 alleles (0.00012%); highest among the groups gnomAD compares: East Asian, 0.0022%; no homozygotes.

Submission:

Labcorp Genetics (formerly Invitae), Labcorp
Classification: Uncertain significance for Bethlem myopathy 2; Ullrich congenital muscular dystrophy 2. Last evaluated: 2023-12-09. Review status: criteria provided, single submitter. Criteria: Invitae Variant Classification Sherloc (09022015). Collection method: clinical testing. Allele origin: germline.
Comment: This sequence change replaces tyrosine, which is neutral and polar, with histidine, which is basic and polar, at codon 1943 of the COL12A1 protein (p.Tyr1943His). This variant is not present in population databases (gnomAD no frequency). This variant has not been reported in the literature in individuals affected with COL12A1-related conditions. Advanced modeling of protein sequence and biophysical properties (such as structural, functional, and spatial information, amino acid conservation, physicochemical variation, residue mobility, and thermodynamic stability) performed at Invitae indicates that this missense variant is not expected to disrupt COL12A1 protein function with a negative predictive value of 80%. In summary, the available evidence is currently insufficient to determine the role of this variant in disease. Therefore, it has been classified as a Variant of Uncertain Significance.